The following is an entry in ClinVar:

NM_000037.4(ANK1):c.5497C>T (p.Arg1833Ter)

Gene: ANK1 (ankyrin 1; minus strand). Cytogenetic location: 8p11.21.
Variant type: single nucleotide variant.
Coding change: c.5497C>T on transcript NM_000037.4 (MANE Select); coding-DNA position 5497, C replaced by T.
Protein change: p.Arg1833Ter; replaces arginine 1833 with a stop codon.
Molecular consequence: nonsense. On other transcripts: intron variant (1).
Genome position (GRCh38, 1-based): chr8:41,661,923, G>A on the plus strand (C>T on the coding strand, the complement: ANK1 is on the minus strand). VCF-style: chr8-41661923-G-A. GRCh37 (hg19) VCF-style: chr8-41519441-G-A.
Other names: ankyrin Saint-Etienne 2; c.322C>T, p.Arg108Ter (NM_001142445.2, NM_020478.5); c.5620C>T, p.Arg1874Ter (NM_001142446.2); c.5497C>T, p.Arg1833Ter (NM_020475.3, NM_020476.3); c.5011C>T, p.Arg1671Ter (NM_020477.3); c.303+1736C>T (NM_020480.5); short protein forms R1833*, R1874*, R108*, R1671*.
Identifiers: ClinVar variation 510 (VCV000000510.18), dbSNP rs137852831, ClinGen allele CA114342.
Genomic context (GRCh38, chr8:41,661,923, plus strand): 5'-CCTCTACAGTCACCTCCTCGTGCTCCTGGGCGGCATCGGCGCTGGACAAGTCTATCTGTC[G>A]AACCACCTTGCGAATGATCTAGGAAAGGAAGGGAAGGAGGAAAGGGCTGGTCAGGCCGGG-3'

ClinVar aggregate classification (germline): Pathogenic/Likely pathogenic. Review status: criteria provided, multiple submitters, no conflicts (2 of 4 stars). 9 submissions from 9 submitters: Pathogenic (5); Likely pathogenic (3). 1 of the submissions does not count toward it. Last evaluated 2025-02-25.

Conditions:
Hereditary spherocytosis type 1. Also called: Spherocytosis type 1; ANK1-Related Spherocytosis. Identifiers: Orphanet 822, MedGen C2674218, MONDO:0008447, OMIM 182900.
ANK1-related disorder. Also called: ANK1-related condition.

Allele frequency attached by ClinVar (database versions not stated): gnomAD exomes below 0.00001; gnomAD 0.00001; TOPMed 0.00003.
gnomAD v4.1: 2 of 1,613,804 alleles (0.00012%); highest among the groups gnomAD compares: African/African-American, 0.0013%; no homozygotes.

Submissions (9):

Labcorp Genetics (formerly Invitae), Labcorp
Classification: Pathogenic. Last evaluated: 2025-02-25. Review status: criteria provided, single submitter. Criteria: Invitae Variant Classification Sherloc (09022015). Collection method: clinical testing. Allele origin: germline.
Comment: This sequence change creates a premature translational stop signal (p.Arg1833*) in the ANK1 gene. It is expected to result in an absent or disrupted protein product. Loss-of-function variants in ANK1 are known to be pathogenic (PMID: 8640229). This variant is not present in population databases (gnomAD no frequency). This premature translational stop signal has been observed in individual(s) with clinical features of ANK1-related disorders (PMID: 32641076). ClinVar contains an entry for this variant (Variation ID: 510). For these reasons, this variant has been classified as Pathogenic.

Institute of Immunology and Genetics Kaiserslautern
Classification: Pathogenic for Hereditary spherocytosis type 1. Last evaluated: 2024-07-25. Review status: criteria provided, single submitter. Criteria: ACMG Guidelines, 2015. Collection method: clinical testing. Allele origin: germline. Affected: yes.
Comment: ACMG Criteria: PVS1, PM1, PM2_P, PP1, PP5; Variant was found in heterozygous state

Revvity Omics, Revvity
Classification: Pathogenic for Hereditary spherocytosis type 1. Last evaluated: 2024-07-12. Review status: criteria provided, single submitter. Criteria: ACMG Guidelines, 2015. Collection method: clinical testing. Allele origin: germline.

Mayo Clinic Laboratories, Mayo Clinic
Classification: Likely pathogenic. Last evaluated: 2024-02-29. Review status: criteria provided, single submitter. Criteria: ACMG Guidelines, 2015. Collection method: clinical testing. Allele origin: germline.
Comment: PM2_moderate, PVS1_strong

Genetic Services Laboratory, University of Chicago
Classification: Likely pathogenic. Last evaluated: 2024-02-14. Review status: criteria provided, single submitter. Criteria: ACMG Guidelines, 2015. Collection method: clinical testing. Allele origin: germline. Affected: yes.
Comment: DNA sequence analysis of the ANK1 gene demonstrated a sequence change, c.5497C>T, which results in the creation of a premature stop codon at amino acid position 1833, p.Arg1833*. This sequence change is predicted to result in an abnormal transcript, which may be degraded, or may lead to the production of a truncated ANK1 protein with potentially abnormal function. This sequence change has not been described in the population databases such as ExAC and gnomAD. This sequence change has previously been described in an individual with hereditary spherocytosis (PMID: 9590147). These collective evidences indicate that this sequence change is likely pathogenic.

PreventionGenetics, part of Exact Sciences
Classification: Pathogenic for ANK1-related condition. Last evaluated: 2023-09-27. Review status: criteria provided, single submitter. Criteria: ACMG Guidelines, 2015. Collection method: clinical testing. Allele origin: germline.
Comment: The ANK1 c.5497C>T variant is predicted to result in premature protein termination (p.Arg1833*). This variant has been reported to be causative for hereditary spherocytosis (Mansour-Hendili et al. 2020. PubMed ID: 32641076; Park et al. 2016. PubMed ID: 26830532). This variant has not been reported in a large population database, indicating this variant is rare. Nonsense variants in ANK1 are expected to be pathogenic. This variant is interpreted as pathogenic.

GeneDx
Classification: Likely pathogenic. Last evaluated: 2022-03-14. Review status: criteria provided, single submitter. Criteria: GeneDx Variant Classification Process June 2021. Collection method: clinical testing. Allele origin: germline. Affected: yes.
Comment: Reported in association with ANK1-related disorders (Hayette et al., 1998; Mansour-Hendili et al., 2020); however, detailed clinical and diagnostic information was not provided; Nonsense variant predicted to result in protein truncation or nonsense mediated decay in a gene for which loss-of-function is a known mechanism of disease; Not observed at significant frequency in large population cohorts (gnomAD); This variant is associated with the following publications: (PMID: 25525159, 22573887, 26830532, 32641076, 9590147, 9111595)

Department of Genetic, Henri Mondor Hospital, Assistance Publique des Hôpitaux de Paris
Classification: Pathogenic for Hereditary spherocytosis type 1. Last evaluated: 2018-02-27. Review status: criteria provided, single submitter. Criteria: ACMG Guidelines, 2015. Collection method: clinical testing. Allele origin: germline. Affected: yes.

OMIM
Classification: Pathogenic for SPHEROCYTOSIS, TYPE 1, DUE TO ANKYRIN SAINT-ETIENNE 2. Last evaluated: 1998-05-01. Review status: no assertion criteria provided. Collection method: literature only. Allele origin: germline. Not counted in ClinVar's aggregate classification.

Literature cited by the submitters: PubMed 8640229 (cited by Labcorp Genetics (formerly Invitae), Labcorp); PubMed 32641076 (cited by Labcorp Genetics (formerly Invitae), Labcorp and Mayo Clinic Laboratories, Mayo Clinic); PubMed 22573887 (cited by Mayo Clinic Laboratories, Mayo Clinic); PubMed 26830532 (cited by Mayo Clinic Laboratories, Mayo Clinic); PubMed 9590147 (cited by 3 submitters).